The following is an entry in ClinVar:

ClinVar aggregate classification (germline): Uncertain significance (1 of 4 stars; one submission).

Conditions:
Muscular dystrophy-dystroglycanopathy (congenital with brain and eye anomalies), type A2. Also called: MUSCULAR DYSTROPHY-DYSTROGLYCANOPATHY (CONGENITAL WITH BRAIN AND EYE ANOMALIES), TYPE A, 2; WALKER-WARBURG SYNDROME OR MUSCLE-EYE-BRAIN DISEASE, POMT2-RELATED. Identifiers: Orphanet 588, Orphanet 899, MedGen C3150411, MONDO:0013154, OMIM 613150.
Autosomal recessive limb-girdle muscular dystrophy type 2N. Also called: MUSCULAR DYSTROPHY-DYSTROGLYCANOPATHY, LIMB-GIRDLE, POMT2-RELATED; Muscular dystrophy-dystroglycanopathy (limb-girdle), type C, 2. Identifiers: Orphanet 206559, MedGen C3150418, MONDO:0013162, OMIM 613158.
Muscular dystrophy-dystroglycanopathy (congenital with impaired intellectual development), type B, 2. Also called: MUSCULAR DYSTROPHY, CONGENITAL, POMT2-RELATED; Muscular dystrophy-dystroglycanopathy (congenital with intellectual disability), type B2. Identifiers: MedGen C3150416, MONDO:0013160, OMIM 613156.

Allele frequency attached by ClinVar (database versions not stated): gnomAD 0.00001; gnomAD exomes below 0.00001.
gnomAD v4.1: 3 of 1,613,830 alleles (0.00019%); highest among the groups gnomAD compares: South Asian, 0.0011%; no homozygotes.

Submission:

Labcorp Genetics (formerly Invitae), Labcorp
Classification: Uncertain significance for Muscular dystrophy-dystroglycanopathy (congenital with impaired intellectual development), type B, 2; Muscular dystrophy-dystroglycanopathy (congenital with brain and eye anomalies), type A2; Autosomal recessive limb-girdle muscular dystrophy type 2N. Last evaluated: 2021-03-16. Review status: criteria provided, single submitter. Criteria: Invitae Variant Classification Sherloc (09022015). Collection method: clinical testing. Allele origin: germline.
Comment: This variant is not present in population databases (ExAC no frequency). This sequence change replaces methionine with valine at codon 619 of the POMT2 protein (p.Met619Val). The methionine residue is weakly conserved and there is a small physicochemical difference between methionine and valine. In summary, the available evidence is currently insufficient to determine the role of this variant in disease. Therefore, it has been classified as a Variant of Uncertain Significance. Algorithms developed to predict the effect of missense changes on protein structure and function output the following: SIFT: "Tolerated"; PolyPhen-2: "Benign"; Align-GVGD: "Class C0". The valine amino acid residue is found in multiple mammalian species, suggesting that this missense change does not adversely affect protein function. These predictions have not been confirmed by published functional studies and their clinical significance is uncertain. This variant has not been reported in the literature in individuals with POMT2-related conditions.

NM_013382.7(POMT2):c.1855A>G (p.Met619Val)

Gene: POMT2 (protein O-mannosyltransferase 2; minus strand). Cytogenetic location: 14q24.3.
Variant type: single nucleotide variant.
Coding change: c.1855A>G on transcript NM_013382.7 (MANE Select); coding-DNA position 1855, A replaced by G.
Protein change: p.Met619Val; replaces methionine 619 with valine.
Molecular consequence: missense variant.
Genome position (GRCh38, 1-based): chr14:77,279,859, T>C on the plus strand (A>G on the coding strand, the complement: POMT2 is on the minus strand). VCF-style: chr14-77279859-T-C. GRCh37 (hg19) VCF-style: chr14-77746202-T-C.
Other names: short protein forms M619V.
Identifiers: ClinVar variation 1379287 (VCV001379287.8), dbSNP rs1890143383, ClinGen allele CA390514552.